The following is an entry in ClinVar:

ClinVar aggregate classification (germline): Uncertain significance (1 of 4 stars; one submission).

Conditions:
Cardiovascular phenotype. Identifiers: MedGen CN230736.

Submission:

Ambry Genetics
Classification: Uncertain significance for Cardiovascular phenotype. Last evaluated: 2025-05-17. Review status: criteria provided, single submitter. Criteria: Ambry Variant Classification Scheme 2023. Collection method: clinical testing. Allele origin: germline.
Comment: The p.V222A variant (also known as c.665T>C), located in coding exon 3 of the SNTA1 gene, results from a T to C substitution at nucleotide position 665. The valine at codon 222 is replaced by alanine, an amino acid with similar properties. This amino acid position is conserved. In addition, this alteration is predicted to be tolerated by in silico analysis. Based on the available evidence, the clinical significance of this variant remains unclear.

NM_003098.3(SNTA1):c.665T>C (p.Val222Ala)

Gene: SNTA1 (syntrophin alpha 1; minus strand). Cytogenetic location: 20q11.21.
Variant type: single nucleotide variant.
Coding change: c.665T>C on transcript NM_003098.3 (MANE Select); coding-DNA position 665, T replaced by C.
Protein change: p.Val222Ala; replaces valine 222 with alanine.
Molecular consequence: missense variant.
Genome position (GRCh38, 1-based): chr20:33,417,755, A>G on the plus strand (T>C on the coding strand, the complement: SNTA1 is on the minus strand). VCF-style: chr20-33417755-A-G. GRCh37 (hg19) VCF-style: chr20-32005561-A-G.
Other names: c.665T>C, p.Val222Ala (NM_001424413.1, NM_001424414.1); short protein forms V222A.
Identifiers: ClinVar variation 3959297 (VCV003959297.1).